The following is an entry in ClinVar:

NM_000238.4(KCNH2):c.290C>G (p.Ala97Gly)

Gene: KCNH2 (potassium voltage-gated channel subfamily H member 2; minus strand). Cytogenetic location: 7q36.1.
Variant type: single nucleotide variant.
Coding change: c.290C>G on transcript NM_000238.4 (MANE Select); coding-DNA position 290, C replaced by G.
Protein change: p.Ala97Gly; replaces alanine 97 with glycine.
Molecular consequence: missense variant.
Genome position (GRCh38, 1-based): chr7:150,974,728, G>C on the plus strand (C>G on the coding strand, the complement: KCNH2 is on the minus strand). VCF-style: chr7-150974728-G-C. GRCh37 (hg19) VCF-style: chr7-150671816-G-C.
Other names: p.A97G:GCC>GGC; c.113C>G, p.Ala38Gly (NM_001406755.1); c.290C>G, p.Ala97Gly (NM_172056.3); short protein forms A97G, A38G.
Identifiers: ClinVar variation 200580 (VCV000200580.5), dbSNP rs794728415, ClinGen allele CA007636.

ClinVar aggregate classification (germline): Uncertain significance. Review status: criteria provided, multiple submitters, no conflicts (2 of 4 stars). 2 submissions from 2 submitters: Uncertain significance (2). Last evaluated 2024-04-29.

Conditions:
Cardiovascular phenotype. Identifiers: MedGen CN230736.

Submissions (2):

Ambry Genetics
Classification: Uncertain significance for Cardiovascular phenotype. Last evaluated: 2024-04-29. Review status: criteria provided, single submitter. Criteria: Ambry Variant Classification Scheme 2023. Collection method: clinical testing. Allele origin: germline.
Comment: The p.A97G variant (also known as c.290C>G), located in coding exon 2 of the KCNH2 gene, results from a C to G substitution at nucleotide position 290. The alanine at codon 97 is replaced by glycine, an amino acid with similar properties. Functional studies suggest this alteration may not impact protein function; however, additional evidence is needed to confirm this finding (Ng CA et al. Am J Hum Genet, 2022 Jul;109:1208-1216). This amino acid position is not well conserved in available vertebrate species. In addition, the in silico prediction for this alteration is inconclusive. Based on the available evidence, the clinical significance of this variant remains unclear.

GeneDx
Classification: Uncertain significance. Last evaluated: 2012-05-16. Review status: criteria provided, single submitter. Criteria: GeneDx Variant Classification (06012015). Collection method: clinical testing. Allele origin: germline. Affected: yes.
Comment: p.Ala97Gly (GCC>GGC): c.290 C>G in exon 2 of the KCNH2 gene (NM_000238.2)The Ala97Gly variant in the KCNH2 gene has not been reported as a disease-causing mutation or as a benign polymorphism, to our knowledge. Ala97Gly results in a conservative amino acid substitution of one non-polar residue for another at a position that is conserved through mammals in evolution. Nevertheless, mutations affecting nearby residues (Val94Gly, Ile96Thr, Ile96Val, Tyr99Ser) have been reported in association with LQTS, further supporting the functional importance of this region of the protein. Furthermore, the NHLBI ESP Exome Variant Server reports Ala97Gly was not observed in approximately 5,000 samples from individuals of European and African American backgrounds, indicating it is not a common benign variant in these populations.In summary, with the clinical and molecular information available at this time, we cannot unequivocally determine the clinical significance of the Ala97Gly variant. The variant is found in LQT panel(s).

Literature cited by the submitters: PubMed 35688148 (cited by Ambry Genetics).